The following is an entry in ClinVar:

ClinVar aggregate classification (germline): Uncertain significance (1 of 4 stars; one submission).

Submission:

Labcorp Genetics (formerly Invitae), Labcorp
Classification: Uncertain significance. Last evaluated: 2024-10-30. Review status: criteria provided, single submitter. Criteria: Invitae Variant Classification Sherloc (09022015). Collection method: clinical testing. Allele origin: germline.
Comment: This sequence change replaces valine, which is neutral and non-polar, with glutamic acid, which is acidic and polar, at codon 866 of the FBXO11 protein (p.Val866Glu). This variant is not present in population databases (gnomAD no frequency). This variant has not been reported in the literature in individuals affected with FBXO11-related conditions. ClinVar contains an entry for this variant (Variation ID: 1958457). An algorithm developed to predict the effect of missense changes on protein structure and function (PolyPhen-2) suggests that this variant is likely to be tolerated. In summary, the available evidence is currently insufficient to determine the role of this variant in disease. Therefore, it has been classified as a Variant of Uncertain Significance.

NM_001190274.2(FBXO11):c.2597T>A (p.Val866Glu)

Genes: FBXO11 (F-box protein 11; minus strand), MSH6 (mutS homolog 6; plus strand). Cytogenetic location: 2p16.3.
Variant type: single nucleotide variant.
Coding change: c.2597T>A on transcript NM_001190274.2 (MANE Select); coding-DNA position 2597, T replaced by A.
Protein change: p.Val866Glu; replaces valine 866 with glutamic acid.
Molecular consequence: missense variant.
Genome position (GRCh38, 1-based): chr2:47,808,386, A>T on the plus strand (T>A on the coding strand, the complement: FBXO11 is on the minus strand). VCF-style: chr2-47808386-A-T. GRCh37 (hg19) VCF-style: chr2-48035525-A-T.
Other names: c.2345T>A, p.Val782Glu (NM_001374325.1, NM_025133.4); short protein forms V866E, V782E.
Identifiers: ClinVar variation 1958457 (VCV001958457.5), dbSNP rs2530941065, ClinGen allele CA346762236.